The following is an entry in ClinVar:

NM_001267550.2(TTN):c.40961C>G (p.Ala13654Gly)

Gene: TTN (titin; minus strand). Cytogenetic location: 2q31.2.
Variant type: single nucleotide variant.
Coding change: c.40961C>G on transcript NM_001267550.2 (MANE Select); coding-DNA position 40961, C replaced by G.
Protein change: p.Ala13654Gly; replaces alanine 13654 with glycine.
Molecular consequence: missense variant.
Genome position (GRCh38, 1-based): chr2:178,636,766, G>C on the plus strand (C>G on the coding strand, the complement: TTN is on the minus strand). VCF-style: chr2-178636766-G-C. GRCh37 (hg19) VCF-style: chr2-179501493-G-C.
Other names: c.36038C>G, p.Ala12013Gly (NM_001256850.1); c.13766C>G, p.Ala4589Gly (NM_003319.4); c.33257C>G, p.Ala11086Gly (NM_133378.4); c.14141C>G, p.Ala4714Gly (NM_133432.3); c.14342C>G, p.Ala4781Gly (NM_133437.4); short protein forms A11086G, A12013G, A13654G, A4589G, A4714G, A4781G.
Identifiers: ClinVar variation 4534942 (VCV004534942.6).

ClinVar aggregate classification (germline): Uncertain significance (1 of 4 stars; one submission).

Submission:

CeGaT Center for Human Genetics Tuebingen
Classification: Uncertain significance. Last evaluated: 2025-10-01. Review status: criteria provided, single submitter. Criteria: CeGaT Center For Human Genetics Tuebingen Variant Classification Criteria Version 2. Collection method: clinical testing. Allele origin: germline. Affected: yes. Observed: 1 variant allele.
Comment: TTN: PM2, BP4